The following is an entry in ClinVar:

ClinVar aggregate classification (germline): Uncertain significance. Review status: criteria provided, multiple submitters, no conflicts (2 of 4 stars). 2 submissions from 2 submitters: Uncertain significance (2). Last evaluated 2025-09-04.

Conditions:
Inborn genetic diseases. Identifiers: MedGen C0950123, MeSH D030342.

Allele frequency attached by ClinVar (database versions not stated): TOPMed below 0.00001.
gnomAD v4.1: 8 of 1,614,102 alleles (0.0005%); highest among the groups gnomAD compares: Middle Eastern, 0.016%; no homozygotes.

Submissions (2):

Ambry Genetics
Classification: Uncertain significance for Inborn genetic diseases. Last evaluated: 2025-09-04. Review status: criteria provided, single submitter. Criteria: Ambry Variant Classification Scheme 2023. Collection method: clinical testing. Allele origin: germline.

Labcorp Genetics (formerly Invitae), Labcorp
Classification: Uncertain significance. Last evaluated: 2022-10-05. Review status: criteria provided, single submitter. Criteria: Invitae Variant Classification Sherloc (09022015). Collection method: clinical testing. Allele origin: germline.
Comment: This sequence change replaces glutamic acid, which is acidic and polar, with aspartic acid, which is acidic and polar, at codon 566 of the MTTP protein (p.Glu566Asp). This variant is present in population databases (rs769310726, gnomAD 0.004%). This variant has not been reported in the literature in individuals affected with MTTP-related conditions. ClinVar contains an entry for this variant (Variation ID: 1483802). Advanced modeling of protein sequence and biophysical properties (such as structural, functional, and spatial information, amino acid conservation, physicochemical variation, residue mobility, and thermodynamic stability) performed at Invitae indicates that this missense variant is not expected to disrupt MTTP protein function. In summary, the available evidence is currently insufficient to determine the role of this variant in disease. Therefore, it has been classified as a Variant of Uncertain Significance.

NM_001386140.1(MTTP):c.1698G>T (p.Glu566Asp)

Gene: MTTP (microsomal triglyceride transfer protein; plus strand). Cytogenetic location: 4q23.
Variant type: single nucleotide variant.
Coding change: c.1698G>T on transcript NM_001386140.1 (MANE Select); coding-DNA position 1698, G replaced by T.
Protein change: p.Glu566Asp; replaces glutamic acid 566 with aspartic acid.
Molecular consequence: missense variant.
Genome position (GRCh38, 1-based): chr4:99,608,906, G>T. VCF-style: chr4-99608906-G-T. GRCh37 (hg19) VCF-style: chr4-100530063-G-T.
Other names: c.1698G>T (NM_000253.2); c.1698G>T, p.Glu566Asp (NM_000253.4); c.1449G>T, p.Glu483Asp (NM_001300785.2); short protein forms E566D, E483D.
Identifiers: ClinVar variation 1483802 (VCV001483802.6), dbSNP rs769310726, ClinGen allele CA3022157.